The following is an entry in ClinVar:

ClinVar aggregate classification (germline): Likely benign. Review status: criteria provided, multiple submitters, no conflicts (2 of 4 stars). 3 submissions from 3 submitters: Likely benign (2). 1 of the submissions does not count toward it. Last evaluated 2026-01-23.

Conditions:
HYAL1-related disorder. Also called: HYAL1-related condition.
Deficiency of hyaluronoglucosaminidase (MPS9). Also called: HYALURONIDASE DEFICIENCY; MPS IX; Mucopolysaccharidosis type 9. Identifiers: Orphanet 67041, MedGen C1291490, MONDO:0011093, OMIM 601492.

Allele frequency attached by ClinVar (database versions not stated): gnomAD 0.00006 and 0.00007; ExAC 0.00008; gnomAD exomes 0.00009 and 0.00014; TOPMed 0.00014; ESP Exome Variant Server 0.00015.
gnomAD v4.1: 141 of 1,607,176 alleles (0.0088%); highest among the groups gnomAD compares: Middle Eastern, 0.13%; 1 homozygote.

Submissions (3):

Labcorp Genetics (formerly Invitae), Labcorp
Classification: Likely benign for Deficiency of hyaluronoglucosaminidase. Last evaluated: 2026-01-23. Review status: criteria provided, single submitter. Criteria: Invitae Variant Classification Sherloc (09022015). Collection method: clinical testing. Allele origin: germline.

Blueprint Genetics
Classification: Likely benign. Last evaluated: 2024-10-23. Review status: criteria provided, single submitter. Criteria: ACMG Guidelines, 2015. Collection method: clinical testing. Allele origin: germline.

PreventionGenetics, part of Exact Sciences
Classification: Likely benign for HYAL1-related condition. Last evaluated: 2019-03-25. Review status: no assertion criteria provided. Collection method: clinical testing. Allele origin: germline. Not counted in ClinVar's aggregate classification.
Comment: This variant is classified as likely benign based on ACMG/AMP sequence variant interpretation guidelines (Richards et al. 2015 PMID: 25741868, with internal and published modifications).

NM_033159.4(HYAL1):c.936C>T (p.Ala312=)

Gene: HYAL1 (hyaluronidase 1; minus strand). Cytogenetic location: 3p21.31.
Variant type: single nucleotide variant.
Coding change: c.936C>T on transcript NM_033159.4 (MANE Select); coding-DNA position 936, C replaced by T.
Protein change: p.Ala312=; no amino-acid change (alanine 312 retained).
Molecular consequence: synonymous variant. On other transcripts: non-coding transcript variant (1), intron variant (1).
Genome position (GRCh38, 1-based): chr3:50,301,042, G>A on the plus strand (C>T on the coding strand, the complement: HYAL1 is on the minus strand). VCF-style: chr3-50301042-G-A. GRCh37 (hg19) VCF-style: chr3-50338473-G-A.
Other names: c.936C>T, p.Ala312= (NM_153281.2); c.390C>T, p.Ala130= (NM_153283.3); c.159C>T, p.Ala53= (NM_153285.3); c.901-242C>T (NM_153282.3).
Identifiers: ClinVar variation 712895 (VCV000712895.12), dbSNP rs375213606, ClinGen allele CA2415817.